The following is an entry in ClinVar:

NM_001184.4(ATR):c.5007T>G (p.Ile1669Met)

Gene: ATR (ATR checkpoint kinase; minus strand). Cytogenetic location: 3q23.
Variant type: single nucleotide variant.
Coding change: c.5007T>G on transcript NM_001184.4 (MANE Select); coding-DNA position 5007, T replaced by G.
Protein change: p.Ile1669Met; replaces isoleucine 1669 with methionine.
Molecular consequence: missense variant.
Genome position (GRCh38, 1-based): chr3:142,507,955, A>C on the plus strand (T>G on the coding strand, the complement: ATR is on the minus strand). VCF-style: chr3-142507955-A-C. GRCh37 (hg19) VCF-style: chr3-142226797-A-C.
Other names: c.4815T>G, p.Ile1605Met (NM_001354579.2); short protein forms I1605M, I1669M.
Identifiers: ClinVar variation 1744742 (VCV001744742.2), dbSNP rs2108361083, ClinGen allele CA354820419.

ClinVar aggregate classification (germline): Uncertain significance (1 of 4 stars; one submission).

Conditions:
Inborn genetic diseases. Identifiers: MedGen C0950123, MeSH D030342.

Submission:

Ambry Genetics
Classification: Uncertain significance for Inborn genetic diseases. Last evaluated: 2021-09-20. Review status: criteria provided, single submitter. Criteria: Ambry Variant Classification Scheme 2023. Collection method: clinical testing. Allele origin: germline.
Comment: The p.I1669M variant (also known as c.5007T>G), located in coding exon 28 of the ATR gene, results from a T to G substitution at nucleotide position 5007. The isoleucine at codon 1669 is replaced by methionine, an amino acid with highly similar properties. This amino acid position is conserved. In addition, this alteration is predicted to be tolerated by in silico analysis. Since supporting evidence is limited at this time, the clinical significance of this alteration remains unclear.